The following is an entry in ClinVar:

NM_012330.4(KAT6B):c.3759G>T (p.Lys1253Asn)

Gene: KAT6B (lysine acetyltransferase 6B; plus strand). Cytogenetic location: 10q22.2.
Variant type: single nucleotide variant.
Coding change: c.3759G>T on transcript NM_012330.4 (MANE Select); coding-DNA position 3759, G replaced by T.
Protein change: p.Lys1253Asn; replaces lysine 1253 with asparagine.
Molecular consequence: missense variant.
Genome position (GRCh38, 1-based): chr10:75,028,583, G>T. VCF-style: chr10-75028583-G-T. GRCh37 (hg19) VCF-style: chr10-76788341-G-T.
Other names: c.3210G>T, p.Lys1070Asn (NM_001256468.2, NM_001370138.1); c.2883G>T, p.Lys961Asn (NM_001256469.2, NM_001370139.1, NM_001370140.1 and 2 more transcripts); c.2721G>T, p.Lys907Asn (NM_001370132.1); c.2070G>T, p.Lys690Asn (NM_001370133.1); c.1674G>T, p.Lys558Asn (NM_001370134.1); c.1416G>T, p.Lys472Asn (NM_001370135.1); c.3759G>T, p.Lys1253Asn (NM_001370136.1, NM_001370137.1); c.2694G>T, p.Lys898Asn (NM_001370143.1, NM_001370144.1); short protein forms K1070N, K1253N, K472N, K558N, K690N, K898N, K907N, K961N.
Identifiers: ClinVar variation 3341065 (VCV003341065.1).

ClinVar aggregate classification (germline): Uncertain significance (1 of 4 stars; one submission).

gnomAD v4.1: 5 of 1,614,080 alleles (0.00031%); highest among the groups gnomAD compares: Non-Finnish European, 0.00042%; no homozygotes.

Submission:

GeneDx
Classification: Uncertain significance. Last evaluated: 2023-12-07. Review status: criteria provided, single submitter. Criteria: GeneDx Variant Classification Process June 2021. Collection method: clinical testing. Allele origin: germline. Affected: yes.
Comment: Not observed at significant frequency in large population cohorts (gnomAD); In silico analysis supports that this missense variant does not alter protein structure/function; Has not been previously published as pathogenic or benign to our knowledge